The following is an entry in ClinVar:

NM_174936.4(PCSK9):c.2033G>T (p.Cys678Phe)

Gene: PCSK9 (proprotein convertase subtilisin/kexin type 9; plus strand). Cytogenetic location: 1p32.3.
Variant type: single nucleotide variant.
Coding change: c.2033G>T on transcript NM_174936.4 (MANE Select); coding-DNA position 2033, G replaced by T.
Protein change: p.Cys678Phe; replaces cysteine 678 with phenylalanine.
Molecular consequence: missense variant. On other transcripts: non-coding transcript variant (8).
Genome position (GRCh38, 1-based): chr1:55,063,538, G>T. VCF-style: chr1-55063538-G-T. GRCh37 (hg19) VCF-style: chr1-55529211-G-T.
Other names: c.2156G>T, p.Cys719Phe (NM_001407240.1); c.2075G>T, p.Cys692Phe (NM_001407241.1); c.2036G>T, p.Cys679Phe (NM_001407242.1); c.1976G>T, p.Cys659Phe (NM_001407243.1); c.1859G>T, p.Cys620Phe (NM_001407244.1); c.1841G>T, p.Cys614Phe (NM_001407245.1); c.1658G>T, p.Cys553Phe (NM_001407246.1); c.1532G>T, p.Cys511Phe (NM_001407247.1); short protein forms C511F, C553F, C614F, C678F, C679F, C692F, C620F, C659F.
Identifiers: ClinVar variation 3668412 (VCV003668412.2).

ClinVar aggregate classification (germline): Uncertain significance (1 of 4 stars; one submission).

Conditions:
Hypercholesterolemia, autosomal dominant, 3 (FHCL3). Also called: Familial Hypercholesterolemia, Autosomal Dominant, 3; PCSK9-Related Familial Hypercholesterolemia, Autosomal Dominant; Familial hypercholesterolemia 3. Identifiers: MedGen C1863551, MONDO:0011369, OMIM 603776.

Submission:

Labcorp Genetics (formerly Invitae), Labcorp
Classification: Uncertain significance for Hypercholesterolemia, autosomal dominant, 3. Last evaluated: 2024-06-13. Review status: criteria provided, single submitter. Criteria: Invitae Variant Classification Sherloc (09022015). Collection method: clinical testing. Allele origin: germline.
Comment: This sequence change replaces cysteine, which is neutral and slightly polar, with phenylalanine, which is neutral and non-polar, at codon 678 of the PCSK9 protein (p.Cys678Phe). This variant is not present in population databases (gnomAD no frequency). This variant has not been reported in the literature in individuals affected with PCSK9-related conditions. Advanced modeling of protein sequence and biophysical properties (such as structural, functional, and spatial information, amino acid conservation, physicochemical variation, residue mobility, and thermodynamic stability) has been performed at Invitae for this missense variant, however the output from this modeling did not meet the statistical confidence thresholds required to predict the impact of this variant on PCSK9 protein function. In summary, the available evidence is currently insufficient to determine the role of this variant in disease. Therefore, it has been classified as a Variant of Uncertain Significance.